The following is an entry in ClinVar:

ClinVar aggregate classification (germline): Uncertain significance. Review status: criteria provided, multiple submitters, no conflicts (2 of 4 stars). 2 submissions from 2 submitters: Uncertain significance (2). Last evaluated 2025-03-28.

Conditions:
Hereditary cancer-predisposing syndrome. Also called: Hereditary Cancer Syndrome; Hereditary neoplastic syndrome; Neoplastic Syndromes, Hereditary; Tumor predisposition. Identifiers: Orphanet 140162, MedGen C0027672, MeSH D009386, MONDO:0015356.
Parathyroid carcinoma (PRTC). Also called: CDC73-Related Parathyroid Carcinoma; Parathyroid gland carcinoma. Identifiers: Orphanet 143, MedGen C0687150, MONDO:0012004, OMIM 608266, HP:0006780.

gnomAD v4.1: 2 of 1,612,972 alleles (0.00012%); highest among the groups gnomAD compares: Non-Finnish European, 0.00017%; no homozygotes.

Submissions (2):

Ambry Genetics
Classification: Uncertain significance for Hereditary cancer-predisposing syndrome. Last evaluated: 2025-03-28. Review status: criteria provided, single submitter. Criteria: Ambry Variant Classification Scheme 2023. Collection method: clinical testing. Allele origin: germline.
Comment: The p.T422A variant (also known as c.1264A>G), located in coding exon 14 of the CDC73 gene, results from an A to G substitution at nucleotide position 1264. The threonine at codon 422 is replaced by alanine, an amino acid with similar properties. This amino acid position is conserved. In addition, the in silico prediction for this alteration is inconclusive. Based on the available evidence, the clinical significance of this variant remains unclear.

Labcorp Genetics (formerly Invitae), Labcorp
Classification: Uncertain significance for Parathyroid carcinoma. Last evaluated: 2024-08-13. Review status: criteria provided, single submitter. Criteria: Invitae Variant Classification Sherloc (09022015). Collection method: clinical testing. Allele origin: germline.
Comment: This sequence change replaces threonine, which is neutral and polar, with alanine, which is neutral and non-polar, at codon 422 of the CDC73 protein (p.Thr422Ala). This variant is not present in population databases (gnomAD no frequency). This variant has not been reported in the literature in individuals affected with CDC73-related conditions. Invitae Evidence Modeling of protein sequence and biophysical properties (such as structural, functional, and spatial information, amino acid conservation, physicochemical variation, residue mobility, and thermodynamic stability) indicates that this missense variant is expected to disrupt CDC73 protein function with a positive predictive value of 80%. In summary, the available evidence is currently insufficient to determine the role of this variant in disease. Therefore, it has been classified as a Variant of Uncertain Significance.

NM_024529.5(CDC73):c.1264A>G (p.Thr422Ala)

Gene: CDC73 (cell division cycle 73; plus strand). Cytogenetic location: 1q31.2.
Variant type: single nucleotide variant.
Coding change: c.1264A>G on transcript NM_024529.5 (MANE Select); coding-DNA position 1264, A replaced by G.
Protein change: p.Thr422Ala; replaces threonine 422 with alanine.
Molecular consequence: missense variant.
Genome position (GRCh38, 1-based): chr1:193,233,102, A>G. VCF-style: chr1-193233102-A-G. GRCh37 (hg19) VCF-style: chr1-193202232-A-G.
Other names: short protein forms T422A.
Identifiers: ClinVar variation 3669691 (VCV003669691.3).